The following is an entry in ClinVar:

NM_000202.8(IDS):c.458G>A (p.Trp153Ter)

Genes: IDS (iduronate 2-sulfatase; minus strand), LOC106050102 (IDS recombination region; plus strand). Cytogenetic location: Xq28.
Variant type: single nucleotide variant.
Coding change: c.458G>A on transcript NM_000202.8 (MANE Select); coding-DNA position 458, G replaced by A.
Protein change: p.Trp153Ter; replaces tryptophan 153 with a stop codon.
Molecular consequence: nonsense. On other transcripts: non-coding transcript variant (1).
Genome position (GRCh38, 1-based): chrX:149,500,998, C>T on the plus strand (G>A on the coding strand, the complement: IDS is on the minus strand). VCF-style: chrX-149500998-C-T. GRCh37 (hg19) VCF-style: chrX-148582529-C-T.
Other names: c.188G>A, p.Trp63Ter (NM_001166550.4); c.458G>A, p.Trp153Ter (NM_006123.5); short protein forms W153*, W63*.
Identifiers: ClinVar variation 1076526 (VCV001076526.8), dbSNP rs2124055460, ClinGen allele CA414523127.

ClinVar aggregate classification (germline): Pathogenic (1 of 4 stars; one submission).

Conditions:
Mucopolysaccharidosis, MPS-II (MPS2). Also called: Sulfoiduronate sulfatase deficiency; SIDS deficiency; Mucopolysaccharidosis type 2; Mucopolysaccharidosis with skin involvement; IDS deficiency; IDURONATE 2-SULFATASE DEFICIENCY. Identifiers: Orphanet 580, Orphanet 79388, MedGen C0026705, MONDO:0010674, OMIM 309900.

Submission:

Labcorp Genetics (formerly Invitae), Labcorp
Classification: Pathogenic for Mucopolysaccharidosis, MPS-II. Last evaluated: 2022-04-18. Review status: criteria provided, single submitter. Criteria: Invitae Variant Classification Sherloc (09022015). Collection method: clinical testing. Allele origin: germline.
Comment: For these reasons, this variant has been classified as Pathogenic. ClinVar contains an entry for this variant (Variation ID: 1076526). This variant has not been reported in the literature in individuals affected with IDS-related conditions. This variant is not present in population databases (gnomAD no frequency). This sequence change creates a premature translational stop signal (p.Trp153*) in the IDS gene. It is expected to result in an absent or disrupted protein product. Loss-of-function variants in IDS are known to be pathogenic (PMID: 8940265, 9875019).

Literature cited by the submitters: PubMed 8940265; PubMed 9875019.